The following is an entry in ClinVar:

NM_014946.4(SPAST):c.1322-1G>T

Gene: SPAST (spastin; plus strand). Cytogenetic location: 2p22.3.
Variant type: single nucleotide variant.
Coding change: c.1322-1G>T on transcript NM_014946.4 (MANE Select); the canonical splice acceptor site of the intron before coding-DNA position 1322, G replaced by T.
Molecular consequence: splice acceptor variant.
Genome position (GRCh38, 1-based): chr2:32,136,876, G>T. VCF-style: chr2-32136876-G-T. GRCh37 (hg19) VCF-style: chr2-32361945-G-T.
Other names: c.1226-1G>T (NM_199436.2, NM_001377959.1); c.1319-1G>T (NM_001363823.2); c.1223-1G>T (NM_001363875.2).
Identifiers: ClinVar variation 1256241 (VCV001256241.5), dbSNP rs1365753930, ClinGen allele CA346502156.
Genomic context (GRCh38, chr2:32,136,876, plus strand): 5'-ATCTCAGATGACTCACATAGCTTGGTCTTTAATTAAAGTCTTATACTTGTATTTCCTCTA[G>T]ATGAAGTTGATAGCCTTTTGTGTGAAAGAAGAGAAGGGGAGCACGATGCTAGTAGACGCC-3'

ClinVar aggregate classification (germline): Pathogenic. Review status: criteria provided, multiple submitters, no conflicts (2 of 4 stars). 3 submissions from 3 submitters: Pathogenic (3). Last evaluated 2025-09-22.

Conditions:
Hereditary spastic paraplegia 4. Also called: Spastic paraplegia 4, autosomal dominant; Familial spastic paraplegia autosomal dominant 2; Spastic Paraplegia 4. Identifiers: Orphanet 100985, MedGen C1866855, MONDO:0008438, OMIM 182601.

Allele frequency attached by ClinVar (database versions not stated): TOPMed below 0.00001.

Submissions (3):

Mayo Clinic Laboratories, Mayo Clinic
Classification: Pathogenic. Last evaluated: 2025-09-22. Review status: criteria provided, single submitter. Criteria: ACMG Guidelines, 2015. Collection method: clinical testing. Allele origin: germline. Observed: 1 variant allele.
Comment: PM2_supporting, PS1, PVS1

Labcorp Genetics (formerly Invitae), Labcorp
Classification: Pathogenic for Hereditary spastic paraplegia 4. Last evaluated: 2025-07-09. Review status: criteria provided, single submitter. Criteria: Invitae Variant Classification Sherloc (09022015). Collection method: clinical testing. Allele origin: germline.
Comment: This sequence change affects an acceptor splice site in intron 10 of the SPAST gene. It is expected to disrupt RNA splicing. Variants that disrupt the donor or acceptor splice site typically lead to a loss of protein function (PMID: 16199547), and loss-of-function variants in SPAST are known to be pathogenic (PMID: 20932283). This variant is not present in population databases (gnomAD no frequency). Disruption of this splice site has been observed in individuals with clinical features of hereditary spastic paraplegia (PMID: 25341883; internal data). ClinVar contains an entry for this variant (Variation ID: 1256241). Algorithms developed to predict the effect of sequence changes on RNA splicing suggest that this variant may disrupt the consensus splice site. For these reasons, this variant has been classified as Pathogenic.

Athena Diagnostics
Classification: Pathogenic. Last evaluated: 2021-04-19. Review status: criteria provided, single submitter. Criteria: Athena Diagnostics criteria. Collection method: clinical testing. Allele origin: unknown.
Comment: This variant is expected to severely impact normal RNA splicing, and consequently, protein structure and/or function. This variant has not been reported in large, multi-ethnic general populations. This variant has been identified in at least one individual with clinical features associated with this gene.

Literature cited by the submitters: PubMed 25341883 (cited by Mayo Clinic Laboratories, Mayo Clinic and Labcorp Genetics (formerly Invitae), Labcorp); PubMed 36825575 (cited by Mayo Clinic Laboratories, Mayo Clinic); PubMed 16199547 (cited by Labcorp Genetics (formerly Invitae), Labcorp); PubMed 20932283 (cited by Labcorp Genetics (formerly Invitae), Labcorp).